The following is an entry in ClinVar:

NM_001382391.1(CSPP1):c.3560G>A (p.Arg1187His)

Genes: ARFGEF1 (ARF guanine nucleotide exchange factor 1; minus strand), CSPP1 (centrosome and spindle pole associated protein 1; plus strand). Cytogenetic location: 8q13.2.
Variant type: single nucleotide variant.
Coding change: c.3560G>A on transcript NM_001382391.1 (MANE Select); coding-DNA position 3560, G replaced by A.
Protein change: p.Arg1187His; replaces arginine 1187 with histidine.
Molecular consequence: missense variant. On other transcripts: 3 prime UTR variant (1), intron variant (2).
Genome position (GRCh38, 1-based): chr8:67,195,472, G>A. VCF-style: chr8-67195472-G-A. GRCh37 (hg19) VCF-style: chr8-68107707-G-A.
Other names: c.2510G>A, p.Arg837His (NM_001291339.2); c.3479G>A, p.Arg1160His (NM_001363131.2); c.3365G>A, p.Arg1122His (NM_001363132.2); c.3284G>A, p.Arg1095His (NM_001363133.2); c.3626G>A, p.Arg1209His (NM_001364869.1); c.3446G>A, p.Arg1149His (NM_001364870.1); c.3392G>A, p.Arg1131His (NM_001438330.1); c.*52G>A (NM_001438331.1); and 4 more; short protein forms R1160H, R1187H, R837H, R1095H, R1122H, R1149H, R1182H, R1209H.
Identifiers: ClinVar variation 1465372 (VCV001465372.7), dbSNP rs748165041, ClinGen allele CA4771212.

ClinVar aggregate classification (germline): Uncertain significance (1 of 4 stars; one submission).

Conditions:
Joubert syndrome 21 (JBTS21). Identifiers: MedGen C3810212, MONDO:0014288, OMIM 615636.

Allele frequency attached by ClinVar (database versions not stated): ExAC 0.00001; TOPMed 0.00001; gnomAD exomes 0.00002 and 0.00001; gnomAD 0.00001.
gnomAD v4.1: 22 of 1,614,068 alleles (0.0014%); highest among the groups gnomAD compares: East Asian, 0.0022%; no homozygotes.

Submission:

Labcorp Genetics (formerly Invitae), Labcorp
Classification: Uncertain significance for Joubert syndrome 21. Last evaluated: 2022-11-08. Review status: criteria provided, single submitter. Criteria: Invitae Variant Classification Sherloc (09022015). Collection method: clinical testing. Allele origin: germline.
Comment: In summary, the available evidence is currently insufficient to determine the role of this variant in disease. Therefore, it has been classified as a Variant of Uncertain Significance. Algorithms developed to predict the effect of missense changes on protein structure and function are either unavailable or do not agree on the potential impact of this missense change (SIFT: "Deleterious"; PolyPhen-2: "Probably Damaging"; Align-GVGD: "Class C0"). ClinVar contains an entry for this variant (Variation ID: 1465372). This variant has not been reported in the literature in individuals affected with CSPP1-related conditions. This variant is present in population databases (rs748165041, gnomAD 0.006%). This sequence change replaces arginine, which is basic and polar, with histidine, which is basic and polar, at codon 1182 of the CSPP1 protein (p.Arg1182His).